The following is an entry in ClinVar:

ClinVar aggregate classification (germline): Pathogenic. Review status: criteria provided, multiple submitters, no conflicts (2 of 4 stars). 4 submissions from 4 submitters: Pathogenic (3). 1 of the submissions does not count toward it. Last evaluated 2024-12-19.

Conditions:
Microcephaly 5, primary, autosomal recessive (MCPH5). Also called: ASPM Primary Microcephaly. Identifiers: Orphanet 2512, MedGen C1837501, MONDO:0012106, OMIM 608716.

Allele frequency attached by ClinVar (database versions not stated): TOPMed below 0.00001; gnomAD exomes 0.00001.

Submissions (4):

Labcorp Genetics (formerly Invitae), Labcorp
Classification: Pathogenic. Last evaluated: 2024-12-19. Review status: criteria provided, single submitter. Criteria: Invitae Variant Classification Sherloc (09022015). Collection method: clinical testing. Allele origin: germline.
Comment: This sequence change creates a premature translational stop signal (p.Asn394Ilefs*4) in the ASPM gene. It is expected to result in an absent or disrupted protein product. Loss-of-function variants in ASPM are known to be pathogenic (PMID: 19028728, 23611254). This variant is not present in population databases (gnomAD no frequency). This premature translational stop signal has been observed in individual(s) with primary microcephaly (PMID: 19028728). This variant is also known as p.Pro393fs. ClinVar contains an entry for this variant (Variation ID: 21551). For these reasons, this variant has been classified as Pathogenic.

Genome-Nilou Lab
Classification: Pathogenic for Microcephaly 5, primary, autosomal recessive. Last evaluated: 2023-04-11. Review status: criteria provided, single submitter. Criteria: ACMG Guidelines, 2015. Collection method: clinical testing. Allele origin: germline. Affected: no.

GeneDx
Classification: Pathogenic. Last evaluated: 2020-03-27. Review status: criteria provided, single submitter. Criteria: GeneDx Variant Classification Process June 2021. Collection method: clinical testing. Allele origin: germline. Affected: yes.
Comment: Reported in association with microcephaly (Nicholas et al., 2009); Frameshift variant predicted to result in protein truncation or nonsense mediated decay in a gene for which loss-of-function is a known mechanism of disease; Not observed in large population cohorts (Lek et al., 2016); This variant is associated with the following publications: (PMID: 19028728, 20301772)

GeneReviews
No classification provided. Condition: Microcephaly 5, primary, autosomal recessive. Review status: no classification provided. Collection method: literature only. Allele origin: unknown. Not counted in ClinVar's aggregate classification.

Literature cited by the submitters: PubMed 19028728 (cited by Labcorp Genetics (formerly Invitae), Labcorp); PubMed 23611254 (cited by Labcorp Genetics (formerly Invitae), Labcorp); PubMed 20301772 (cited by GeneReviews); NCBI Bookshelf NBK9587 (cited by GeneReviews).

NM_018136.5(ASPM):c.1179del (p.Asn394fs)

Gene: ASPM (assembly factor for spindle microtubules; minus strand). Cytogenetic location: 1q31.3.
Variant type: Deletion.
Coding change: c.1179del on transcript NM_018136.5 (MANE Select); coding-DNA position 1179, one base deleted (T; older notation c.1179delT).
Protein change: p.Asn394fs; shifts the reading frame from asparagine 394.
Molecular consequence: frameshift variant.
Genome position (GRCh38, 1-based): chr1:197,143,073, A deleted on the plus strand (T on the coding strand, the reverse complement: ASPM is on the minus strand). VCF-style (leftmost placement, unchanged base first): chr1-197143072-TA-T. GRCh37 (hg19) VCF-style: chr1-197112202-TA-T.
Other names: c.1179del, p.Asn394fs (NM_001206846.2); c.1179delT (NM_018136.4); short protein forms N394fs.
Identifiers: ClinVar variation 21551 (VCV000021551.13), dbSNP rs199422138, ClinGen allele CA342214.